The following is an entry in ClinVar:

ClinVar aggregate classification (germline): Uncertain significance (1 of 4 stars; one submission).

Conditions:
RPGRIP1L-related disorder. Also called: RPGRIP1L-related condition; RPGRIP1L-related disorders. Identifiers: MedGen CN239416.

gnomAD v4.1: 2 of 663,794 alleles (0.0003%); highest among the groups gnomAD compares: Non-Finnish European, 0.00054%; no homozygotes.

Submission:

PreventionGenetics, part of Exact Sciences
Classification: Uncertain significance for RPGRIP1L-related condition. Last evaluated: 2026-05-18. Review status: criteria provided, single submitter. Criteria: ACMG Guidelines, 2015. Collection method: clinical testing. Allele origin: germline.
Comment: The RPGRIP1L c.3430C>A variant is predicted to result in the amino acid substitution p.Gln1144Lys. To our knowledge, this variant has not been reported in the literature or in a large population database (gnomAD), indicating this variant is rare. At this time, the clinical significance of this variant is uncertain due to the absence of conclusive functional and genetic evidence.

NM_015272.5(RPGRIP1L):c.3430C>A (p.Gln1144Lys)

Gene: RPGRIP1L (RPGRIP1 like; minus strand). Cytogenetic location: 16q12.2.
Variant type: single nucleotide variant.
Coding change: c.3430C>A on transcript NM_015272.5 (MANE Select); coding-DNA position 3430, C replaced by A.
Protein change: p.Gln1144Lys; replaces glutamine 1144 with lysine.
Molecular consequence: missense variant. On other transcripts: intron variant (2).
Genome position (GRCh38, 1-based): chr16:53,622,221, G>T on the plus strand (C>A on the coding strand, the complement: RPGRIP1L is on the minus strand). VCF-style: chr16-53622221-G-T. GRCh37 (hg19) VCF-style: chr16-53656133-G-T.
Other names: c.3328C>A, p.Gln1110Lys (NM_001330538.2); c.3193-3013C>A (NM_001127897.4); c.3295-3013C>A (NM_001308334.3); short protein forms Q1144K, Q1110K.
Identifiers: ClinVar variation 4995006 (VCV004995006.1).